The following is an entry in ClinVar:

NM_001367624.2(ZNF469):c.2353G>A (p.Asp785Asn)

Gene: ZNF469 (zinc finger protein 469; plus strand). Cytogenetic location: 16q24.2.
Variant type: single nucleotide variant.
Coding change: c.2353G>A on transcript NM_001367624.2 (MANE Select); coding-DNA position 2353, G replaced by A.
Protein change: p.Asp785Asn; replaces aspartic acid 785 with asparagine.
Molecular consequence: missense variant.
Genome position (GRCh38, 1-based): chr16:88,429,823, G>A. VCF-style: chr16-88429823-G-A. GRCh37 (hg19) VCF-style: chr16-88496231-G-A.
Other names: NM_001127464.1:c.2353G>A; short protein forms D785N.
Identifiers: ClinVar variation 3821129 (VCV003821129.1).

ClinVar aggregate classification (germline): Uncertain significance (1 of 4 stars; one submission).

Conditions:
Cardiovascular phenotype. Identifiers: MedGen CN230736.

gnomAD v4.1: 11 of 1,546,292 alleles (0.00071%); highest among the groups gnomAD compares: East Asian, 0.0025%; no homozygotes.

Submission:

Ambry Genetics
Classification: Uncertain significance for Cardiovascular phenotype. Last evaluated: 2025-01-28. Review status: criteria provided, single submitter. Criteria: Ambry Variant Classification Scheme 2023. Collection method: clinical testing. Allele origin: germline.
Comment: The p.D785N variant (also known as c.2353G>A), located in coding exon 1 of the ZNF469 gene, results from a G to A substitution at nucleotide position 2353. The aspartic acid at codon 785 is replaced by asparagine, an amino acid with highly similar properties. This amino acid position is conserved. In addition, this alteration is predicted to be tolerated by in silico analysis. Based on the available evidence, the clinical significance of this variant remains unclear.